The following is an entry in ClinVar:

ClinVar aggregate classification (germline): Uncertain significance (1 of 4 stars; one submission).

Conditions:
Aortic aneurysm, familial thoracic 4 (AAT4). Also called: AORTIC ANEURYSM/AORTIC DISSECTION AND PATENT DUCTUS ARTERIOSUS. Identifiers: MedGen C1851504, MONDO:0007568, OMIM 132900.

Submission:

Labcorp Genetics (formerly Invitae), Labcorp
Classification: Uncertain significance for Aortic aneurysm, familial thoracic 4. Last evaluated: 2023-12-02. Review status: criteria provided, single submitter. Criteria: Invitae Variant Classification Sherloc (09022015). Collection method: clinical testing. Allele origin: germline.
Comment: This sequence change replaces arginine, which is basic and polar, with glycine, which is neutral and non-polar, at codon 280 of the MYH11 protein (p.Arg280Gly). This variant is not present in population databases (gnomAD no frequency). This variant has not been reported in the literature in individuals affected with MYH11-related conditions. Advanced modeling of protein sequence and biophysical properties (such as structural, functional, and spatial information, amino acid conservation, physicochemical variation, residue mobility, and thermodynamic stability) performed at Invitae indicates that this missense variant is not expected to disrupt MYH11 protein function with a negative predictive value of 80%. In summary, the available evidence is currently insufficient to determine the role of this variant in disease. Therefore, it has been classified as a Variant of Uncertain Significance.

NM_002474.3(MYH11):c.817C>G (p.Arg273Gly)

Gene: MYH11 (myosin heavy chain 11; minus strand). Cytogenetic location: 16p13.11.
Variant type: single nucleotide variant.
Coding change: c.817C>G on transcript NM_002474.3 (MANE Select); coding-DNA position 817, C replaced by G.
Protein change: p.Arg273Gly; replaces arginine 273 with glycine.
Molecular consequence: missense variant.
Genome position (GRCh38, 1-based): chr16:15,776,150, G>C on the plus strand (C>G on the coding strand, the complement: MYH11 is on the minus strand). VCF-style: chr16-15776150-G-C. GRCh37 (hg19) VCF-style: chr16-15870007-G-C.
Other names: c.838C>G, p.Arg280Gly (NM_001040113.2, NM_001040114.2); c.817C>G, p.Arg273Gly (NM_022844.3); short protein forms R273G, R280G.
Identifiers: ClinVar variation 2700509 (VCV002700509.3), dbSNP rs1490228863, ClinGen allele CA394869585.
Genomic context (GRCh38, chr16:15,776,150, plus strand): 5'-CCTTGGCTCCAGCAATCATGTAGTAAAAGATGTGGAATGTCCTCTCGTCTCTGGCTTGGC[G>C]AATTGCCCGTGATTTTTCTAGCAGATCTGGTTTGGAGGGAGTTAGGGATTCTGGGGATAC-3'
Protein context (NP_002465.1, residues 263-283): TYLLEKSRAI[Arg273Gly]QARDERTFHI